The following is an entry in ClinVar:

ClinVar aggregate classification (germline): Uncertain significance. Review status: criteria provided, multiple submitters, no conflicts (2 of 4 stars). 4 submissions from 4 submitters: Uncertain significance (3). 1 of the submissions does not count toward it. Last evaluated 2024-05-06.

Conditions:
COACH syndrome 3. Identifiers: MedGen C5436841, MONDO:0030862, OMIM 619113.
Joubert syndrome 7 (JBTS7). Identifiers: Orphanet 220497, MedGen C1969053, MONDO:0012694, OMIM 611560.
Meckel syndrome, type 5 (MKS5). Identifiers: Orphanet 564, MedGen C1969052, MONDO:0012695, OMIM 611561.
RPGRIP1L-related disorder. Also called: RPGRIP1L-related disorders; RPGRIP1L-related condition. Identifiers: MedGen CN239416.
Inborn genetic diseases. Identifiers: MedGen C0950123, MeSH D030342.
Joubert syndrome. Also called: Familial aplasia of the vermis; JOUBERT-BOLTSHAUSER SYNDROME. Identifiers: Orphanet 475, MedGen C5979921, MONDO:0018772.
Meckel-Gruber syndrome. Also called: Dysencephalia splachnocystica; DYSENCEPHALIA SPLANCHNOCYSTICA; GRUBER SYNDROME. Identifiers: Orphanet 564, MedGen C0265215, MONDO:0018921.

Allele frequency attached by ClinVar (database versions not stated): gnomAD exomes 0.00001; TOPMed 0.00001; gnomAD 0.00003; 1000 Genomes Project 30x 0.00031.
gnomAD v4.1: 25 of 1,613,924 alleles (0.0015%); highest among the groups gnomAD compares: African/African-American, 0.0027%; no homozygotes.

Submissions (4):

Fulgent Genetics
Classification: Uncertain significance for Joubert syndrome 7; Meckel syndrome, type 5; COACH syndrome 3. Last evaluated: 2024-05-06. Review status: criteria provided, single submitter. Criteria: ACMG Guidelines, 2015. Collection method: clinical testing. Allele origin: germline.

Ambry Genetics
Classification: Uncertain significance for Inborn genetic diseases. Last evaluated: 2023-09-21. Review status: criteria provided, single submitter. Criteria: Ambry Variant Classification Scheme 2023. Collection method: clinical testing. Allele origin: germline.

Labcorp Genetics (formerly Invitae), Labcorp
Classification: Uncertain significance for Joubert syndrome; Meckel-Gruber syndrome. Last evaluated: 2022-04-07. Review status: criteria provided, single submitter. Criteria: Invitae Variant Classification Sherloc (09022015). Collection method: clinical testing. Allele origin: germline.
Comment: This sequence change replaces lysine, which is basic and polar, with glutamic acid, which is acidic and polar, at codon 720 of the RPGRIP1L protein (p.Lys720Glu). This variant is present in population databases (rs773725787, gnomAD 0.004%). This variant has not been reported in the literature in individuals affected with RPGRIP1L-related conditions. Algorithms developed to predict the effect of missense changes on protein structure and function (SIFT, PolyPhen-2, Align-GVGD) all suggest that this variant is likely to be tolerated. In summary, the available evidence is currently insufficient to determine the role of this variant in disease. Therefore, it has been classified as a Variant of Uncertain Significance.

PreventionGenetics, part of Exact Sciences
Classification: Uncertain significance for RPGRIP1L-related condition. Last evaluated: 2024-07-12. Review status: no assertion criteria provided. Collection method: clinical testing. Allele origin: germline. Not counted in ClinVar's aggregate classification.
Comment: The RPGRIP1L c.2158A>G variant is predicted to result in the amino acid substitution p.Lys720Glu. To our knowledge, this variant has not been reported in the literature. This variant is reported in 0.0040% of alleles in individuals of African descent in gnomAD. At this time, the clinical significance of this variant is uncertain due to the absence of conclusive functional and genetic evidence.

NM_015272.5(RPGRIP1L):c.2158A>G (p.Lys720Glu)

Gene: RPGRIP1L (RPGRIP1 like; minus strand). Cytogenetic location: 16q12.2.
Variant type: single nucleotide variant.
Coding change: c.2158A>G on transcript NM_015272.5 (MANE Select); coding-DNA position 2158, A replaced by G.
Protein change: p.Lys720Glu; replaces lysine 720 with glutamic acid.
Molecular consequence: missense variant.
Genome position (GRCh38, 1-based): chr16:53,649,110, T>C on the plus strand (A>G on the coding strand, the complement: RPGRIP1L is on the minus strand). VCF-style: chr16-53649110-T-C. GRCh37 (hg19) VCF-style: chr16-53683022-T-C.
Other names: c.2158A>G, p.Lys720Glu (NM_001127897.4, NM_001308334.3, NM_001330538.2); c.2158A>G (NM_015272.4, NM_015272.2); short protein forms K720E.
Identifiers: ClinVar variation 1983152 (VCV001983152.5), dbSNP rs773725787, ClinGen allele CA281341939.